The following is an entry in ClinVar:

NM_001370259.2(MEN1):c.920C>A (p.Ala307Asp)

Gene: MEN1 (menin 1; minus strand). Cytogenetic location: 11q13.1.
Variant type: single nucleotide variant.
Coding change: c.920C>A on transcript NM_001370259.2 (MANE Select); coding-DNA position 920, C replaced by A.
Protein change: p.Ala307Asp; replaces alanine 307 with aspartic acid.
Molecular consequence: missense variant. On other transcripts: non-coding transcript variant (4).
Genome position (GRCh38, 1-based): chr11:64,806,361, G>T on the plus strand (C>A on the coding strand, the complement: MEN1 is on the minus strand). VCF-style: chr11-64806361-G-T. GRCh37 (hg19) VCF-style: chr11-64573833-G-T.
Other names: c.920C>A, p.Ala307Asp (NM_130799.3, NM_001370251.2, NM_001370260.2 and 7 more transcripts); c.935C>A, p.Ala312Asp (NM_130800.3, NM_130801.3, NM_130802.3 and 5 more transcripts); c.815C>A, p.Ala272Asp (NM_001370262.2, NM_001370263.2, NM_001407148.1 and 2 more transcripts); short protein forms A272D, A312D, A307D.
Identifiers: ClinVar variation 2626600 (VCV002626600.5), dbSNP rs1278139327, ClinGen allele CA381183447.

ClinVar aggregate classification (germline): Conflicting classifications of pathogenicity. Review status: criteria provided, conflicting classifications (1 of 4 stars). 2 submissions from 2 submitters: Uncertain significance (1); Likely benign (1). Last evaluated 2023-08-30.

Conditions:
Multiple endocrine neoplasia, type 1 (MEN1). Also called: MEA I; MEN I; WERMER SYNDROME; Endocrine adenomatosis multiple; MEN 1. Identifiers: Orphanet 652, MedGen C0025267, MeSH D018761, MONDO:0007540, OMIM 131100.
Hereditary cancer-predisposing syndrome. Also called: Tumor predisposition; Neoplastic Syndromes, Hereditary; Hereditary Cancer Syndrome; Hereditary neoplastic syndrome. Identifiers: Orphanet 140162, MedGen C0027672, MeSH D009386, MONDO:0015356.

Allele frequency attached by ClinVar (database versions not stated): TOPMed below 0.00001; gnomAD 0.00001.
gnomAD v4.1: 5 of 1,614,066 alleles (0.00031%); highest among the groups gnomAD compares: African/African-American, 0.0013%; no homozygotes.

Submissions (2):

Ambry Genetics
Classification: Uncertain significance for Hereditary cancer-predisposing syndrome. Last evaluated: 2023-08-30. Review status: criteria provided, single submitter. Criteria: Ambry Variant Classification Scheme 2023. Collection method: clinical testing. Allele origin: germline.
Comment: The p.A307D variant (also known as c.920C>A), located in coding exon 6 of the MEN1 gene, results from a C to A substitution at nucleotide position 920. The alanine at codon 307 is replaced by aspartic acid, an amino acid with dissimilar properties. This amino acid position is conserved. In addition, the in silico prediction for this alteration is inconclusive. Since supporting evidence is limited at this time, the clinical significance of this alteration remains unclear.

Labcorp Genetics (formerly Invitae), Labcorp
Classification: Likely benign for Multiple endocrine neoplasia, type 1. Last evaluated: 2023-02-22. Review status: criteria provided, single submitter. Criteria: Invitae Variant Classification Sherloc (09022015). Collection method: clinical testing. Allele origin: germline.